The following is an entry in ClinVar:

NM_001378969.1(KCND3):c.1313C>G (p.Ser438Trp)

Gene: KCND3 (potassium voltage-gated channel subfamily D member 3; minus strand). Cytogenetic location: 1p13.2.
Variant type: single nucleotide variant.
Coding change: c.1313C>G on transcript NM_001378969.1 (MANE Select); coding-DNA position 1313, C replaced by G.
Protein change: p.Ser438Trp; replaces serine 438 with tryptophan.
Molecular consequence: missense variant.
Genome position (GRCh38, 1-based): chr1:111,780,748, G>C on the plus strand (C>G on the coding strand, the complement: KCND3 is on the minus strand). VCF-style: chr1-111780748-G-C. GRCh37 (hg19) VCF-style: chr1-112323370-G-C.
Other names: c.1313C>G, p.Ser438Trp (NM_001378970.1, NM_004980.5, NM_172198.3); short protein forms S438W.
Identifiers: ClinVar variation 465164 (VCV000465164.8), dbSNP rs1172444288, ClinGen allele CA341659216.
Genomic context (GRCh38, chr1:111,780,748, plus strand): 5'-ACCGTCAGCTCCAGCGCCTCGTTGAGGAGCCCGTTGCGCTTGCTGTGCAGGTATGCATTC[G>C]AACTGCCTGTTTTGGCCACACGGATCCTGGCAAGGCGGGCCTTCTGTGATTGGCAGAGAT-3'
Protein context (NP_001365898.1, residues 428-448): ARIRVAKTGS[Ser438Trp]NAYLHSKRNG

ClinVar aggregate classification (germline): Uncertain significance (1 of 4 stars; one submission).

Conditions:
Spinocerebellar ataxia type 19/22 (SCA19). Also called: SPINOCEREBELLAR ATAXIA 22; SPINOCEREBELLAR ATAXIA 19. Identifiers: Orphanet 98772, MedGen C1846367, MONDO:0011819, OMIM 607346.

Allele frequency attached by ClinVar (database versions not stated): gnomAD 0.00001; TOPMed below 0.00001.
gnomAD v4.1: 6 of 1,613,322 alleles (0.00037%); highest among the groups gnomAD compares: Non-Finnish European, 0.00051%; no homozygotes.

Submission:

Labcorp Genetics (formerly Invitae), Labcorp
Classification: Uncertain significance for Spinocerebellar ataxia type 19/22. Last evaluated: 2022-02-03. Review status: criteria provided, single submitter. Criteria: Invitae Variant Classification Sherloc (09022015). Collection method: clinical testing. Allele origin: germline.
Comment: This sequence change replaces serine, which is neutral and polar, with tryptophan, which is neutral and slightly polar, at codon 438 of the KCND3 protein (p.Ser438Trp). This variant is not present in population databases (gnomAD no frequency). This variant has not been reported in the literature in individuals affected with KCND3-related conditions. ClinVar contains an entry for this variant (Variation ID: 465164). Algorithms developed to predict the effect of missense changes on protein structure and function (SIFT, PolyPhen-2, Align-GVGD) all suggest that this variant is likely to be disruptive. In summary, the available evidence is currently insufficient to determine the role of this variant in disease. Therefore, it has been classified as a Variant of Uncertain Significance.